The following is an entry in ClinVar:

ClinVar aggregate classification (germline): Uncertain significance (1 of 4 stars; one submission).

gnomAD v4.1: 6 of 1,614,042 alleles (0.00037%); highest among the groups gnomAD compares: African/African-American, 0.0013%; no homozygotes.

Submission:

Labcorp Genetics (formerly Invitae), Labcorp
Classification: Uncertain significance. Last evaluated: 2025-11-18. Review status: criteria provided, single submitter. Criteria: Invitae Variant Classification Sherloc (09022015). Collection method: clinical testing. Allele origin: germline.
Comment: This sequence change replaces isoleucine, which is neutral and non-polar, with valine, which is neutral and non-polar, at codon 2829 of the FAT1 protein (p.Ile2829Val). This variant is not present in population databases (gnomAD no frequency). This variant has not been reported in the literature in individuals affected with FAT1-related conditions. Invitae Evidence Modeling of protein sequence and biophysical properties (such as structural, functional, and spatial information, amino acid conservation, physicochemical variation, residue mobility, and thermodynamic stability) indicates that this missense variant is not expected to disrupt FAT1 protein function with a negative predictive value of 80%. In summary, the available evidence is currently insufficient to determine the role of this variant in disease. Therefore, it has been classified as a Variant of Uncertain Significance.

NM_005245.4(FAT1):c.8485A>G (p.Ile2829Val)

Genes: FAT1 (FAT atypical cadherin 1; minus strand), LOC126807255 (BRD4-independent group 4 enhancer GRCh37_chr4:187538202-187539401; plus strand). Cytogenetic location: 4q35.2.
Variant type: single nucleotide variant.
Coding change: c.8485A>G on transcript NM_005245.4 (MANE Select); coding-DNA position 8485, A replaced by G.
Protein change: p.Ile2829Val; replaces isoleucine 2829 with valine.
Molecular consequence: missense variant.
Genome position (GRCh38, 1-based): chr4:186,618,101, T>C on the plus strand (A>G on the coding strand, the complement: FAT1 is on the minus strand). VCF-style: chr4-186618101-T-C. GRCh37 (hg19) VCF-style: chr4-187539255-T-C.
Other names: c.8485A>G, p.Ile2829Val (NM_001440455.1, NM_001440456.1, NM_001440457.1); short protein forms I2829V.
Identifiers: ClinVar variation 4696801 (VCV004696801.1).
Genomic context (GRCh38, chr4:186,618,101, plus strand): 5'-CCAGGCTATACATAACTTGGCCGTTGGTTCCTGAGTCAGCATCAGATGCCCTGATCTGAA[T>C]TACTCTACTTCCCCCTGGCAGGTTTTCAACAATGAATGCCTCATATGGACTAGATTCAAA-3'
Protein context (NP_005236.2, residues 2819-2839): VENLPGGSRV[Ile2829Val]QIRASDADSG